The following is an entry in ClinVar:

NM_001128840.3(CACNA1D):c.279dup (p.Gln94fs)

Gene: CACNA1D (calcium voltage-gated channel subunit alpha1 D; plus strand). Cytogenetic location: 3p21.1.
Variant type: Duplication.
Coding change: c.279dup on transcript NM_001128840.3 (MANE Select); coding-DNA position 279, one base duplicated (A; older notation c.279dupA).
Protein change: p.Gln94fs; shifts the reading frame from glutamine 94.
Molecular consequence: frameshift variant.
Genome position (GRCh38, 1-based): chr3:53,497,363, A duplicated; the last of 6 consecutive A bases (chr3:53,497,358-53,497,363); duplicating any one gives the same sequence. VCF-style (leftmost placement, unchanged base first): chr3-53497357-C-CA. GRCh37 (hg19) VCF-style: chr3-53531384-C-CA.
Other names: c.279dup, p.Gln94fs (NM_000720.4, NM_001128839.3); short protein forms Q94fs.
Identifiers: ClinVar variation 3602261 (VCV003602261.1).

ClinVar aggregate classification (germline): Uncertain significance (1 of 4 stars; one submission).

Submission:

GeneDx
Classification: Uncertain significance. Last evaluated: 2024-07-31. Review status: criteria provided, single submitter. Criteria: GeneDx Variant Classification Process June 2021. Collection method: clinical testing. Allele origin: germline. Affected: yes.
Comment: Not observed at significant frequency in large population cohorts (gnomAD); Frameshift variant predicted to result in protein truncation or nonsense mediated decay in a gene or region of a gene for which loss of function is not a well-established mechanism of disease; Has not been previously published as pathogenic or benign to our knowledge